The following is an entry in ClinVar:

NM_002764.4(PRPS1):c.12C>T (p.Ile4=)

Gene: PRPS1 (phosphoribosyl pyrophosphate synthetase 1; plus strand). Cytogenetic location: Xq22.3.
Variant type: single nucleotide variant.
Coding change: c.12C>T on transcript NM_002764.4 (MANE Select); coding-DNA position 12, C replaced by T.
Protein change: p.Ile4=; no amino-acid change (isoleucine 4 retained).
Molecular consequence: synonymous variant. On other transcripts: 5 prime UTR variant (1).
Genome position (GRCh38, 1-based): chrX:107,628,640, C>T. VCF-style: chrX-107628640-C-T. GRCh37 (hg19) VCF-style: chrX-106871870-C-T.
Other names: c.-193C>T (NM_001204402.2).
Identifiers: ClinVar variation 666743 (VCV000666743.14), dbSNP rs752590804, ClinGen allele CA10485575.

ClinVar aggregate classification (germline): Benign/Likely benign. Review status: criteria provided, multiple submitters, no conflicts (2 of 4 stars). 2 submissions from 2 submitters: Benign (1); Likely benign (1). Last evaluated 2024-06-09.

Conditions:
Charcot-Marie-Tooth Neuropathy X. Identifiers: MedGen CN118851.

Allele frequency attached by ClinVar (database versions not stated): ExAC 0.00002; gnomAD exomes 0.00001; TOPMed 0.00001.

Submissions (2):

Labcorp Genetics (formerly Invitae), Labcorp
Classification: Benign for Charcot-Marie-Tooth Neuropathy X. Last evaluated: 2024-06-09. Review status: criteria provided, single submitter. Criteria: Invitae Variant Classification Sherloc (09022015). Collection method: clinical testing. Allele origin: germline.

Laboratory for Molecular Medicine, Mass General Brigham Personalized Medicine
Classification: Likely benign. Last evaluated: 2017-08-23. Review status: criteria provided, single submitter. Criteria: LMM Criteria. Collection method: clinical testing. Allele origin: germline. Observed: 1 variant allele.
Comment: p.Ile4Ile in exon 1 of PRPS1: This variant is not expected to have clinical sign ificance because it does not alter an amino acid residue and is not located with in the splice consensus sequence. It has been identified in 2/47937 European chr omosomes by the Exome Aggregation Consortium (ExAC, rg; dbSNP rs752590804).